The following is an entry in ClinVar:

ClinVar aggregate classification (germline): Uncertain significance. Review status: criteria provided, multiple submitters, no conflicts (2 of 4 stars). 2 submissions from 2 submitters: Uncertain significance (2). Last evaluated 2025-07-24.

Conditions:
Familial adenomatous polyposis 1 (FAP1). Also called: FAMILIAL ADENOMATOUS POLYPOSIS 1, ATTENUATED; POLYPOSIS, ADENOMATOUS INTESTINAL. Identifiers: MedGen C2713442, MONDO:0021056, OMIM 175100. Disease mechanism: loss of function.
Hereditary cancer-predisposing syndrome. Also called: Tumor predisposition; Hereditary Cancer Syndrome; Hereditary neoplastic syndrome; Neoplastic Syndromes, Hereditary. Identifiers: Orphanet 140162, MedGen C0027672, MeSH D009386, MONDO:0015356.

Submissions (2):

Labcorp Genetics (formerly Invitae), Labcorp
Classification: Uncertain significance for Familial adenomatous polyposis 1. Last evaluated: 2025-07-24. Review status: criteria provided, single submitter. Criteria: Invitae Variant Classification Sherloc (09022015). Collection method: clinical testing. Allele origin: germline.
Comment: This sequence change replaces serine, which is neutral and polar, with isoleucine, which is neutral and non-polar, at codon 2569 of the APC protein (p.Ser2569Ile). This variant is not present in population databases (gnomAD no frequency). This variant has not been reported in the literature in individuals affected with APC-related conditions. ClinVar contains an entry for this variant (Variation ID: 3304421). Invitae Evidence Modeling of protein sequence and biophysical properties (such as structural, functional, and spatial information, amino acid conservation, physicochemical variation, residue mobility, and thermodynamic stability) indicates that this missense variant is not expected to disrupt APC protein function with a negative predictive value of 95%. In summary, the available evidence is currently insufficient to determine the role of this variant in disease. Therefore, it has been classified as a Variant of Uncertain Significance.

Ambry Genetics
Classification: Uncertain significance for Hereditary cancer-predisposing syndrome. Last evaluated: 2024-03-30. Review status: criteria provided, single submitter. Criteria: Ambry Variant Classification Scheme 2023. Collection method: clinical testing. Allele origin: germline.
Comment: The p.S2569I variant (also known as c.7706G>T), located in coding exon 15 of the APC gene, results from a G to T substitution at nucleotide position 7706. The serine at codon 2569 is replaced by isoleucine, an amino acid with dissimilar properties. This amino acid position is conserved. In addition, in silico predictors for this gene do not accurately predict pathogenicity. Based on the available evidence, the clinical significance of this alteration remains unclear.

NM_000038.6(APC):c.7706G>T (p.Ser2569Ile)

Gene: APC (APC regulator of Wnt signaling pathway; plus strand). Cytogenetic location: 5q22.2.
Variant type: single nucleotide variant.
Coding change: c.7706G>T on transcript NM_000038.6 (MANE Select); coding-DNA position 7706, G replaced by T.
Protein change: p.Ser2569Ile; replaces serine 2569 with isoleucine.
Molecular consequence: missense variant. On other transcripts: non-coding transcript variant (2).
Genome position (GRCh38, 1-based): chr5:112,843,300, G>T. VCF-style: chr5-112843300-G-T. GRCh37 (hg19) VCF-style: chr5-112178997-G-T.
Other names: c.7706G>T, p.Ser2569Ile (NM_001127510.3, NM_001354895.2, NM_001407450.1); c.7652G>T, p.Ser2551Ile (NM_001127511.3); c.7760G>T, p.Ser2587Ile (NM_001354896.2, NM_001407447.1, NM_001407448.1 and 1 more transcripts); c.7736G>T, p.Ser2579Ile (NM_001354897.2); c.7631G>T, p.Ser2544Ile (NM_001354898.2); c.7622G>T, p.Ser2541Ile (NM_001354899.2); c.7583G>T, p.Ser2528Ile (NM_001354900.2); c.7529G>T, p.Ser2510Ile (NM_001354901.2, NM_001407453.1); and 11 more; short protein forms S2185I, S2468I, S2486I, S2510I, S2286I, S2440I, S2443I, S2541I.
Identifiers: ClinVar variation 3304421 (VCV003304421.2).
Genomic context (GRCh38, chr5:112,843,300, plus strand): 5'-GTGAGCACAGCAAACATTCATCATCCCTTCCTCGAGTAAGCACTTGGAGAAGAACTGGAA[G>T]TTCATCTTCAATTCTTTCTGCTTCATCAGAATCCAGTGAAAAAGCAAAAAGTGAGGATGA-3'
Protein context (NP_000029.2, residues 2559-2579): PRVSTWRRTG[Ser2569Ile]SSSILSASSE